The following is an entry in ClinVar:

NM_001267550.2(TTN):c.60963C>T (p.Asn20321=)

Genes: TTN (titin; minus strand), TTN-AS1 (TTN antisense RNA 1; plus strand). Cytogenetic location: 2q31.2.
Variant type: single nucleotide variant.
Coding change: c.60963C>T on transcript NM_001267550.2 (MANE Select); coding-DNA position 60963, C replaced by T.
Protein change: p.Asn20321=; no amino-acid change (asparagine 20321 retained).
Molecular consequence: synonymous variant.
Genome position (GRCh38, 1-based): chr2:178,590,762, G>A on the plus strand (C>T on the coding strand, the complement: TTN is on the minus strand). VCF-style: chr2-178590762-G-A. GRCh37 (hg19) VCF-style: chr2-179455489-G-A.
Other names: c.56040C>T, p.Asn18680= (NM_001256850.1); c.33768C>T, p.Asn11256= (NM_003319.4); c.53259C>T, p.Asn17753= (NM_133378.4); c.34143C>T, p.Asn11381= (NM_133432.3); c.34344C>T, p.Asn11448= (NM_133437.4).
Identifiers: ClinVar variation 512350 (VCV000512350.11), dbSNP rs776977331, ClinGen allele CA1992419.

ClinVar aggregate classification (germline): Likely benign. Review status: criteria provided, multiple submitters, no conflicts (2 of 4 stars). 3 submissions from 3 submitters: Likely benign (3). Last evaluated 2025-12-19.

Conditions:
Cardiovascular phenotype. Identifiers: MedGen CN230736.
Autosomal recessive limb-girdle muscular dystrophy type 2J (LGMDR10). Also called: MUSCULAR DYSTROPHY, LIMB-GIRDLE, AUTOSOMAL RECESSIVE 10; Limb-girdle muscular dystrophy, type 2J. Identifiers: Orphanet 140922, MedGen C1837342, MONDO:0012127, OMIM 608807.
Dilated cardiomyopathy 1G (CMD1G). Identifiers: Orphanet 154, MedGen C1858763, MONDO:0011400, OMIM 604145.

Allele frequency attached by ClinVar (database versions not stated): gnomAD exomes below 0.00001; ExAC 0.00001; TOPMed 0.00001; gnomAD 0.00003.
gnomAD v4.1: 1 of 1,608,742 alleles (0.000062%); highest among the groups gnomAD compares: Admixed American, 0.0017%; no homozygotes.

Submissions (3):

Labcorp Genetics (formerly Invitae), Labcorp
Classification: Likely benign for Dilated cardiomyopathy 1G; Autosomal recessive limb-girdle muscular dystrophy type 2J. Last evaluated: 2025-12-19. Review status: criteria provided, single submitter. Criteria: Invitae Variant Classification Sherloc (09022015). Collection method: clinical testing. Allele origin: germline.

Ambry Genetics
Classification: Likely benign for Cardiovascular phenotype. Last evaluated: 2024-05-22. Review status: criteria provided, single submitter. Criteria: Ambry Variant Classification Scheme 2023. Collection method: clinical testing. Allele origin: germline.

GeneDx
Classification: Likely benign. Last evaluated: 2017-09-20. Review status: criteria provided, single submitter. Criteria: GeneDx Variant Classification (06012015). Collection method: clinical testing. Allele origin: germline. Affected: yes.
Comment: This variant is considered likely benign or benign based on one or more of the following criteria: it is a conservative change, it occurs at a poorly conserved position in the protein, it is predicted to be benign by multiple in silico algorithms, and/or has population frequency not consistent with disease.